The following is an entry in ClinVar:

NM_181703.4(GJA5):c.590A>G (p.Tyr197Cys)

Genes: GJA5 (gap junction protein alpha 5; minus strand), LOC122128420 (Sharpr-MPRA regulatory region 3144; plus strand). Cytogenetic location: 1q21.2.
Variant type: single nucleotide variant.
Coding change: c.590A>G on transcript NM_181703.4 (MANE Select); coding-DNA position 590, A replaced by G.
Protein change: p.Tyr197Cys; replaces tyrosine 197 with cysteine.
Molecular consequence: missense variant.
Genome position (GRCh38, 1-based): chr1:147,758,649, T>C on the plus strand (A>G on the coding strand, the complement: GJA5 is on the minus strand). VCF-style: chr1-147758649-T-C. GRCh37 (hg19) VCF-style: chr1-147230757-T-C.
Other names: c.590A>G, p.Tyr197Cys (NM_005266.7); short protein forms Y197C.
Identifiers: ClinVar variation 2579888 (VCV002579888.3), dbSNP rs2524610006, ClinGen allele CA342395504.
Genomic context (GRCh38, chr1:147,758,649, plus strand): 5'-AGTGCAGCCACAGCCAGCATAAAGACAATGAAGACATTCTTCTCTGTGGGCCGGGATACG[T>C]AACAGTTGACCGGGTGGGGACAGGGACTCCTGCGGCAGACATGCAGGGTGGTCAGGAAGA-3'
Protein context (NP_859054.1, residues 187-207): RSPCPHPVNC[Tyr197Cys]VSRPTEKNVF

ClinVar aggregate classification (germline): Uncertain significance. Review status: criteria provided, multiple submitters, no conflicts (2 of 4 stars). 2 submissions from 2 submitters: Uncertain significance (2). Last evaluated 2024-05-23.

Conditions:
Atrial standstill 1 (ATRST1). Also called: ATRIAL CARDIOMYOPATHY WITH HEART BLOCK; CARDIOMYOPATHY, FAMILIAL, WITH CONDUCTION DISTURBANCE; Atrial standstill, digenic (GJA5/SCN5A). Identifiers: Orphanet 1344, MedGen C4551959, MONDO:0007171, OMIM 108770.
Atrial fibrillation, familial, 11 (ATFB11). Identifiers: MedGen C3279693, MONDO:0013544, OMIM 614049.

Submissions (2):

Labcorp Genetics (formerly Invitae), Labcorp
Classification: Uncertain significance for Atrial fibrillation, familial, 11; Atrial standstill 1. Last evaluated: 2024-05-23. Review status: criteria provided, single submitter. Criteria: Invitae Variant Classification Sherloc (09022015). Collection method: clinical testing. Allele origin: germline.
Comment: This sequence change replaces tyrosine, which is neutral and polar, with cysteine, which is neutral and slightly polar, at codon 197 of the GJA5 protein (p.Tyr197Cys). This variant is not present in population databases (gnomAD no frequency). This variant has not been reported in the literature in individuals affected with GJA5-related conditions. ClinVar contains an entry for this variant (Variation ID: 2579888). Advanced modeling of protein sequence and biophysical properties (such as structural, functional, and spatial information, amino acid conservation, physicochemical variation, residue mobility, and thermodynamic stability) performed at Invitae indicates that this missense variant is expected to disrupt GJA5 protein function with a positive predictive value of 80%. In summary, the available evidence is currently insufficient to determine the role of this variant in disease. Therefore, it has been classified as a Variant of Uncertain Significance.

GeneDx
Classification: Uncertain significance. Last evaluated: 2023-03-17. Review status: criteria provided, single submitter. Criteria: GeneDx Variant Classification Process June 2021. Collection method: clinical testing. Allele origin: germline. Affected: yes.
Comment: Not observed at significant frequency in large population cohorts (gnomAD); In silico analysis supports that this missense variant has a deleterious effect on protein structure/function; Has not been previously published as pathogenic or benign to our knowledge